The following is an entry in ClinVar:

NM_006231.4(POLE):c.4742G>A (p.Gly1581Glu)

Gene: POLE (DNA polymerase epsilon, catalytic subunit; minus strand). Cytogenetic location: 12q24.33.
Variant type: single nucleotide variant.
Coding change: c.4742G>A on transcript NM_006231.4 (MANE Select); coding-DNA position 4742, G replaced by A.
Protein change: p.Gly1581Glu; replaces glycine 1581 with glutamic acid.
Molecular consequence: missense variant.
Genome position (GRCh38, 1-based): chr12:132,642,716, C>T on the plus strand (G>A on the coding strand, the complement: POLE is on the minus strand). VCF-style: chr12-132642716-C-T. GRCh37 (hg19) VCF-style: chr12-133219302-C-T.
Other names: short protein forms G1581E.
Identifiers: ClinVar variation 3225464 (VCV003225464.1), dbSNP rs2138536852, ClinGen allele CA387378538.

ClinVar aggregate classification (germline): Uncertain significance (1 of 4 stars; one submission).

Conditions:
Hereditary cancer-predisposing syndrome. Also called: Neoplastic Syndromes, Hereditary; Tumor predisposition; Hereditary neoplastic syndrome; Hereditary Cancer Syndrome. Identifiers: Orphanet 140162, MedGen C0027672, MeSH D009386, MONDO:0015356.

Allele frequency attached by ClinVar (database versions not stated): gnomAD exomes below 0.00001.
gnomAD v4.1: 1 of 1,613,490 alleles (0.000062%); highest among the groups gnomAD compares: Non-Finnish European, 0.000085%; no homozygotes.

Submission:

Ambry Genetics
Classification: Uncertain significance for Hereditary cancer-predisposing syndrome. Last evaluated: 2023-12-17. Review status: criteria provided, single submitter. Criteria: Ambry Variant Classification Scheme 2023. Collection method: clinical testing. Allele origin: germline.
Comment: The p.G1581E variant (also known as c.4742G>A), located in coding exon 37 of the POLE gene, results from a G to A substitution at nucleotide position 4742. The glycine at codon 1581 is replaced by glutamic acid, an amino acid with similar properties. This amino acid position is conserved. In addition, this alteration is predicted to be deleterious by in silico analysis. Since supporting evidence is limited at this time, the clinical significance of this alteration remains unclear.